The following is an entry in ClinVar:

NM_014847.4(UBAP2L):c.2793C>T (p.Phe931=)

Gene: UBAP2L (ubiquitin associated protein 2 like; plus strand). Cytogenetic location: 1q21.3.
Variant type: single nucleotide variant.
Coding change: c.2793C>T on transcript NM_014847.4 (MANE Select); coding-DNA position 2793, C replaced by T.
Protein change: p.Phe931=; no amino-acid change (phenylalanine 931 retained).
Molecular consequence: synonymous variant.
Genome position (GRCh38, 1-based): chr1:154,261,106, C>T. VCF-style: chr1-154261106-C-T. GRCh37 (hg19) VCF-style: chr1-154233582-C-T.
Other names: c.2793C>T, p.Phe931= (NM_001127320.3, NM_001375614.1, NM_001375615.1 and 14 more transcripts); c.2772C>T, p.Phe924= (NM_001287815.1); c.2826C>T, p.Phe942= (NM_001287816.1, NM_001330730.1, NM_001375612.1 and 2 more transcripts).
Identifiers: ClinVar variation 5038625 (VCV005038625.1).

ClinVar aggregate classification (germline): Likely benign (1 of 4 stars; one submission).

Submission:

CeGaT Center for Human Genetics Tuebingen
Classification: Likely benign. Last evaluated: 2026-07-01. Review status: criteria provided, single submitter. Criteria: CeGaT Center For Human Genetics Tuebingen Variant Classification Criteria Version 2. Collection method: clinical testing. Allele origin: germline. Affected: yes. Observed: 1 variant allele.
Comment: UBAP2L: BP4, BP7